The following is an entry in ClinVar:

NM_000198.4(HSD3B2):c.620del (p.Asn207fs)

Gene: HSD3B2 (hydroxy-delta-5-steroid dehydrogenase, 3 beta- and steroid delta-isomerase 2; plus strand). Cytogenetic location: 1p12.
Variant type: Deletion.
Coding change: c.620del on transcript NM_000198.4 (MANE Select); coding-DNA position 620, one base deleted (A; older notation c.620delA).
Protein change: p.Asn207fs; shifts the reading frame from asparagine 207.
Molecular consequence: frameshift variant.
Genome position (GRCh38, 1-based): chr1:119,422,121, A deleted; the last of 2 consecutive A bases (chr1:119,422,120-119,422,121); deleting either gives the same sequence. VCF-style (leftmost placement, unchanged base first): chr1-119422119-CA-C. GRCh37 (hg19) VCF-style: chr1-119964742-CA-C.
Other names: c.620del, p.Asn207fs (NM_001166120.2); short protein forms N207fs.
Identifiers: ClinVar variation 2100356 (VCV002100356.4), dbSNP rs2526392374, ClinGen allele CA2580060925.

ClinVar aggregate classification (germline): Pathogenic (1 of 4 stars; one submission).

Submission:

Labcorp Genetics (formerly Invitae), Labcorp
Classification: Pathogenic. Last evaluated: 2022-02-20. Review status: criteria provided, single submitter. Criteria: Invitae Variant Classification Sherloc (09022015). Collection method: clinical testing. Allele origin: germline.
Comment: For these reasons, this variant has been classified as Pathogenic. This variant disrupts a region of the HSD3B2 protein in which other variant(s) (p.Trp345*) have been determined to be pathogenic (Invitae). This suggests that this is a clinically significant region of the protein, and that variants that disrupt it are likely to be disease-causing. This variant has not been reported in the literature in individuals affected with HSD3B2-related conditions. This variant is not present in population databases (gnomAD no frequency). This sequence change creates a premature translational stop signal (p.Asn207Thrfs*30) in the HSD3B2 gene. While this is not anticipated to result in nonsense mediated decay, it is expected to disrupt the last 166 amino acid(s) of the HSD3B2 protein.